The following is an entry in ClinVar:

NM_213607.3(DNAAF19):c.331C>T (p.Arg111Ter)

Gene: DNAAF19 (dynein axonemal assembly factor 19; plus strand). Cytogenetic location: 17q21.31.
Variant type: single nucleotide variant.
Coding change: c.331C>T on transcript NM_213607.3 (MANE Select); coding-DNA position 331, C replaced by T.
Protein change: p.Arg111Ter; replaces arginine 111 with a stop codon.
Molecular consequence: nonsense. On other transcripts: 3 prime UTR variant (3).
Genome position (GRCh38, 1-based): chr17:44,902,419, C>T. VCF-style: chr17-44902419-C-T. GRCh37 (hg19) VCF-style: chr17-42979787-C-T.
Other names: c.331C>T, p.Arg111Ter (NM_001258395.2, NM_001258396.2); c.*81C>T (NM_001258397.3); c.*20C>T (NM_001258398.3, NM_001258399.2); c.331C>T (NM_213607.2); short protein forms R111*.
Identifiers: ClinVar variation 2736604 (VCV002736604.3), dbSNP rs141004815, ClinGen allele CA399828735.

ClinVar aggregate classification (germline): Pathogenic/Likely pathogenic. Review status: criteria provided, multiple submitters, no conflicts (2 of 4 stars). 2 submissions from 2 submitters: Pathogenic (1); Likely pathogenic (1). Last evaluated 2024-03-03.

Conditions:
Primary ciliary dyskinesia. Also called: Ciliary dyskinesia. Identifiers: Orphanet 244, MedGen C0008780, MONDO:0016575, HP:0012265.

Allele frequency attached by ClinVar (database versions not stated): gnomAD exomes 0.00002.
gnomAD v4.1: 26 of 1,614,102 alleles (0.0016%); highest among the groups gnomAD compares: Non-Finnish European, 0.002%; no homozygotes.

Submissions (2):

Labcorp Genetics (formerly Invitae), Labcorp
Classification: Pathogenic for Primary ciliary dyskinesia. Last evaluated: 2024-03-03. Review status: criteria provided, single submitter. Criteria: Invitae Variant Classification Sherloc (09022015). Collection method: clinical testing. Allele origin: germline.
Comment: This sequence change creates a premature translational stop signal (p.Arg111*) in the CCDC103 gene. While this is not anticipated to result in nonsense mediated decay, it is expected to disrupt the last 132 amino acid(s) of the CCDC103 protein. This variant is present in population databases (no rsID available, gnomAD 0.003%). This premature translational stop signal has been observed in individual(s) with primary ciliary dyskinesia (PMID: 27637300). In at least one individual the data is consistent with being in trans (on the opposite chromosome) from a pathogenic variant. For these reasons, this variant has been classified as Pathogenic.

GeneDx
Classification: Likely pathogenic. Last evaluated: 2024-01-08. Review status: criteria provided, single submitter. Criteria: GeneDx Variant Classification Process June 2021. Collection method: clinical testing. Allele origin: germline. Affected: yes.
Comment: Nonsense variant predicted to result in protein truncation, as the last 132 amino acids are lost, and other loss-of-function variants have been reported downstream in HGMD; This variant is associated with the following publications: (PMID: 27637300)

Literature cited by the submitters: PubMed 27637300 (cited by Labcorp Genetics (formerly Invitae), Labcorp).